The following is an entry in ClinVar:

NM_201384.3(PLEC):c.6492C>T (p.Asp2164=)

Gene: PLEC (plectin; minus strand). Cytogenetic location: 8q24.3.
Variant type: single nucleotide variant.
Coding change: c.6492C>T on transcript NM_201384.3 (MANE Select); coding-DNA position 6492, C replaced by T.
Protein change: p.Asp2164=; no amino-acid change (aspartic acid 2164 retained).
Molecular consequence: synonymous variant.
Genome position (GRCh38, 1-based): chr8:143,923,437, G>A on the plus strand (C>T on the coding strand, the complement: PLEC is on the minus strand). VCF-style: chr8-143923437-G-A. GRCh37 (hg19) VCF-style: chr8-144997605-G-A.
Other names: c.6573C>T, p.Asp2191= (NM_000445.5); c.6450C>T, p.Asp2150= (NM_201378.4); c.6426C>T, p.Asp2142= (NM_201379.3); c.6903C>T, p.Asp2301= (NM_201380.4); c.6396C>T, p.Asp2132= (NM_201381.3); c.6492C>T, p.Asp2164= (NM_201382.4); c.6504C>T, p.Asp2168= (NM_201383.3).
Identifiers: ClinVar variation 283464 (VCV000283464.37), dbSNP rs575031901, ClinGen allele CA4925970.

ClinVar aggregate classification (germline): Benign/Likely benign. Review status: criteria provided, multiple submitters, no conflicts (2 of 4 stars). 6 submissions from 6 submitters: Benign (1); Likely benign (4). 1 of the submissions does not count toward it. Last evaluated 2026-01-26.

Conditions:
Epidermolysis bullosa simplex, Ogna type (EBS5A). Also called: Pidermolysis bullosa simplex 5A, Ogna type; EPIDERMOLYSIS BULLOSA SIMPLEX 5A, OGNA TYPE. Identifiers: Orphanet 79401, MedGen C0432317, MONDO:0007555, OMIM 131950.
Epidermolysis bullosa simplex with nail dystrophy (EBS5D). Identifiers: MedGen C4225309, MONDO:0014661, OMIM 616487.
Autosomal recessive limb-girdle muscular dystrophy type 2Q (LGMDR17). Also called: MUSCULAR DYSTROPHY, LIMB-GIRDLE, AUTOSOMAL RECESSIVE 17. Identifiers: Orphanet 254361, MedGen C3150989, MONDO:0013390, OMIM 613723.
Epidermolysis bullosa simplex 5C, with pyloric atresia (EBS5C). Also called: Epidermolysis bullosa simplex with pyloric atresia; PLEC1-Related Epidermolysis Bullosa with Pyloric Atresia; PLEC-Related Epidermolysis Bullosa with Pyloric Atresia. Identifiers: Orphanet 158684, MedGen C2677349, MONDO:0012807, OMIM 612138.
Epidermolysis bullosa simplex 5B, with muscular dystrophy (EBS5B). Also called: Epidermolysis bullosa simplex with muscular dystrophy; EPIDERMOLYSIS BULLOSA SIMPLEX AND LIMB-GIRDLE MUSCULAR DYSTROPHY. Identifiers: Orphanet 257, MedGen C2931072, MONDO:0009181, OMIM 226670.
PLEC-related disorder. Also called: PLEC-related disorders; PLEC-related condition.

Allele frequency attached by ClinVar (database versions not stated): gnomAD 0.00017 and 0.00025; TOPMed 0.00025; 1000 Genomes Project 0.00060; 1000 Genomes Project 30x 0.00078.
gnomAD v4.1: 471 of 1,609,448 alleles (0.029%); highest among the groups gnomAD compares: South Asian, 0.41%; 4 homozygotes.

Submissions (6):

Labcorp Genetics (formerly Invitae), Labcorp
Classification: Benign for Autosomal recessive limb-girdle muscular dystrophy type 2Q; Epidermolysis bullosa simplex, Ogna type; Epidermolysis bullosa simplex with nail dystrophy; Epidermolysis bullosa simplex 5C, with pyloric atresia; Epidermolysis bullosa simplex 5B, with muscular dystrophy. Last evaluated: 2026-01-26. Review status: criteria provided, single submitter. Criteria: Invitae Variant Classification Sherloc (09022015). Collection method: clinical testing. Allele origin: germline.

Blueprint Genetics
Classification: Likely benign. Last evaluated: 2024-11-19. Review status: criteria provided, single submitter. Criteria: ACMG Guidelines, 2015. Collection method: clinical testing. Allele origin: germline.

CeGaT Center for Human Genetics Tuebingen
Classification: Likely benign. Last evaluated: 2024-07-01. Review status: criteria provided, single submitter. Criteria: CeGaT Center For Human Genetics Tuebingen Variant Classification Criteria Version 2. Collection method: clinical testing. Allele origin: germline. Affected: yes. Observed: 2 variant alleles.
Comment: PLEC: BP4, BP7

GeneDx
Classification: Likely benign. Last evaluated: 2018-09-11. Review status: criteria provided, single submitter. Criteria: GeneDx Variant Classification Process June 2021. Collection method: clinical testing. Allele origin: germline. Affected: yes.

Eurofins Ntd Llc (ga)
Classification: Likely benign. Last evaluated: 2015-09-22. Review status: criteria provided, single submitter. Criteria: EGL Classification Definitions 2015. Collection method: clinical testing. Allele origin: germline. Observed: 1 variant allele, 1 heterozygote.

PreventionGenetics, part of Exact Sciences
Classification: Likely benign for PLEC-related condition. Last evaluated: 2022-09-22. Review status: no assertion criteria provided. Collection method: clinical testing. Allele origin: germline. Not counted in ClinVar's aggregate classification.
Comment: This variant is classified as likely benign based on ACMG/AMP sequence variant interpretation guidelines (Richards et al. 2015 PMID: 25741868, with internal and published modifications).